The following is an entry in ClinVar:

ClinVar aggregate classification (germline): Uncertain significance (1 of 4 stars; one submission).

Allele frequency attached by ClinVar (database versions not stated): gnomAD exomes below 0.00001.
gnomAD v4.1: 1 of 1,613,994 alleles (0.000062%); highest among the groups gnomAD compares: Non-Finnish European, 0.000085%; no homozygotes.

Submission:

Labcorp Genetics (formerly Invitae), Labcorp
Classification: Uncertain significance. Last evaluated: 2025-09-02. Review status: criteria provided, single submitter. Criteria: Invitae Variant Classification Sherloc (09022015). Collection method: clinical testing. Allele origin: germline.
Comment: This sequence change replaces tyrosine, which is neutral and polar, with cysteine, which is neutral and slightly polar, at codon 1081 of the ERBB4 protein (p.Tyr1081Cys). This variant is not present in population databases (gnomAD no frequency). This variant has not been reported in the literature in individuals affected with ERBB4-related conditions. ClinVar contains an entry for this variant (Variation ID: 3000955). An algorithm developed to predict the effect of missense changes on protein structure and function (PolyPhen-2) suggests that this variant is likely to be tolerated. In summary, the available evidence is currently insufficient to determine the role of this variant in disease. Therefore, it has been classified as a Variant of Uncertain Significance.

NM_005235.3(ERBB4):c.3242A>G (p.Tyr1081Cys)

Gene: ERBB4 (erb-b2 receptor tyrosine kinase 4; minus strand). Cytogenetic location: 2q34.
Variant type: single nucleotide variant.
Coding change: c.3242A>G on transcript NM_005235.3 (MANE Select); coding-DNA position 3242, A replaced by G.
Protein change: p.Tyr1081Cys; replaces tyrosine 1081 with cysteine.
Molecular consequence: missense variant.
Genome position (GRCh38, 1-based): chr2:211,387,092, T>C on the plus strand (A>G on the coding strand, the complement: ERBB4 is on the minus strand). VCF-style: chr2-211387092-T-C. GRCh37 (hg19) VCF-style: chr2-212251817-T-C.
Other names: c.3194A>G, p.Tyr1065Cys (NM_001042599.2); short protein forms Y1081C, Y1065C.
Identifiers: ClinVar variation 3000955 (VCV003000955.3), dbSNP rs2062701323, ClinGen allele CA350780903.